The following is an entry in ClinVar:

NM_001267550.2(TTN):c.21326C>T (p.Ser7109Leu)

Genes: TTN (titin; minus strand), LOC126806428 (BRD4-independent group 4 enhancer GRCh37_chr2:179588362-179589561; plus strand). Cytogenetic location: 2q31.2.
Variant type: single nucleotide variant.
Coding change: c.21326C>T on transcript NM_001267550.2 (MANE Select); coding-DNA position 21326, C replaced by T.
Protein change: p.Ser7109Leu; replaces serine 7109 with leucine.
Molecular consequence: missense variant. On other transcripts: intron variant (3).
Genome position (GRCh38, 1-based): chr2:178,723,933, G>A on the plus strand (C>T on the coding strand, the complement: TTN is on the minus strand). VCF-style: chr2-178723933-G-A. GRCh37 (hg19) VCF-style: chr2-179588660-G-A.
Other names: c.20375C>T, p.Ser6792Leu (NM_001256850.1); c.17594C>T, p.Ser5865Leu (NM_133378.4); c.13282+14149C>T (NM_003319.4); c.13858+14149C>T (NM_133437.4); c.13657+14149C>T (NM_133432.3); short protein forms S5865L, S6792L, S7109L.
Identifiers: ClinVar variation 3378036 (VCV003378036.1).

ClinVar aggregate classification (germline): Uncertain significance (1 of 4 stars; one submission).

gnomAD v4.1: 51 of 1,613,526 alleles (0.0032%); highest among the groups gnomAD compares: Non-Finnish European, 0.0042%; no homozygotes.

Submission:

GeneDx
Classification: Uncertain significance. Last evaluated: 2024-05-16. Review status: criteria provided, single submitter. Criteria: GeneDx Variant Classification Process June 2021. Collection method: clinical testing. Allele origin: germline. Affected: yes.
Comment: Not observed at significant frequency in large population cohorts (gnomAD); Missense variant in a gene in which most reported pathogenic variants are truncating/loss of function; Has not been previously published as pathogenic or benign to our knowledge